The following is an entry in ClinVar:

ClinVar aggregate classification (germline): Uncertain significance (1 of 4 stars; one submission).

Conditions:
Familial adenomatous polyposis 1 (FAP1). Also called: FAMILIAL ADENOMATOUS POLYPOSIS 1, ATTENUATED; POLYPOSIS, ADENOMATOUS INTESTINAL. Identifiers: MedGen C2713442, MONDO:0021056, OMIM 175100. Disease mechanism: loss of function.

Submission:

Labcorp Genetics (formerly Invitae), Labcorp
Classification: Uncertain significance for Familial adenomatous polyposis 1. Last evaluated: 2025-10-18. Review status: criteria provided, single submitter. Criteria: Invitae Variant Classification Sherloc (09022015). Collection method: clinical testing. Allele origin: germline.
Comment: This sequence change replaces serine, which is neutral and polar, with arginine, which is basic and polar, at codon 1240 of the APC protein (p.Ser1240Arg). This variant is not present in population databases (gnomAD no frequency). This variant has not been reported in the literature in individuals affected with APC-related conditions. Invitae Evidence Modeling of protein sequence and biophysical properties (such as structural, functional, and spatial information, amino acid conservation, physicochemical variation, residue mobility, and thermodynamic stability) indicates that this missense variant is not expected to disrupt APC protein function with a negative predictive value of 95%. In summary, the available evidence is currently insufficient to determine the role of this variant in disease. Therefore, it has been classified as a Variant of Uncertain Significance.

NM_000038.6(APC):c.3718A>C (p.Ser1240Arg)

Gene: APC (APC regulator of Wnt signaling pathway; plus strand). Cytogenetic location: 5q22.2.
Variant type: single nucleotide variant.
Coding change: c.3718A>C on transcript NM_000038.6 (MANE Select); coding-DNA position 3718, A replaced by C.
Protein change: p.Ser1240Arg; replaces serine 1240 with arginine.
Molecular consequence: missense variant. On other transcripts: non-coding transcript variant (2).
Genome position (GRCh38, 1-based): chr5:112,839,312, A>C. VCF-style: chr5-112839312-A-C. GRCh37 (hg19) VCF-style: chr5-112175009-A-C.
Other names: c.3718A>C, p.Ser1240Arg (NM_001127510.3, NM_001354895.2, NM_001407450.1); c.3664A>C, p.Ser1222Arg (NM_001127511.3); c.3772A>C, p.Ser1258Arg (NM_001354896.2, NM_001407447.1, NM_001407448.1 and 1 more transcripts); c.3748A>C, p.Ser1250Arg (NM_001354897.2); c.3643A>C, p.Ser1215Arg (NM_001354898.2); c.3634A>C, p.Ser1212Arg (NM_001354899.2); c.3595A>C, p.Ser1199Arg (NM_001354900.2); c.3541A>C, p.Ser1181Arg (NM_001354901.2, NM_001407453.1); and 11 more; short protein forms S1080R, S1139R, S1199R, S1268R, S1181R, S1222R, S1240R, S1111R.
Identifiers: ClinVar variation 4767609 (VCV004767609.1).
Genomic context (GRCh38, chr5:112,839,312, plus strand): 5'-ACACCTTCATCTAATGCCAAGAGGCAGAATCAGCTCCATCCAAGTTCTGCACAGAGTAGA[A>C]GTGGTCAGCCTCAAAAGGCTGCCACTTGCAAAGTTTCTTCTATTAACCAAGAAACAATAC-3'
Protein context (NP_000029.2, residues 1230-1250): QLHPSSAQSR[Ser1240Arg]GQPQKAATCK